The following is an entry in ClinVar:

ClinVar aggregate classification (germline): Likely benign. Review status: criteria provided, multiple submitters, no conflicts (2 of 4 stars). 3 submissions from 3 submitters: Likely benign (3). Last evaluated 2023-04-04.

Conditions:
Intellectual developmental disorder, X-linked 1. Also called: MENTAL RETARDATION, X-LINKED 18; MENTAL RETARDATION, X-LINKED 78; Intellectual disability, X-linked 1; Atkin Flaitz Patil Smith syndrome. Identifiers: Orphanet 777, MedGen C2931498, MONDO:0010656, OMIM 309530.

Allele frequency attached by ClinVar (database versions not stated): gnomAD exomes below 0.00001.
gnomAD v4.1: 1 of 1,210,240 alleles (0.000083%); highest among the groups gnomAD compares: Non-Finnish European, 0.00011%; no homozygotes.

Submissions (3):

Blueprint Genetics
Classification: Likely benign. Last evaluated: 2023-04-04. Review status: criteria provided, single submitter. Criteria: ACMG Guidelines, 2015. Collection method: clinical testing. Allele origin: germline.

Labcorp Genetics (formerly Invitae), Labcorp
Classification: Likely benign for Intellectual developmental disorder, X-linked 1. Last evaluated: 2022-10-14. Review status: criteria provided, single submitter. Criteria: Invitae Variant Classification Sherloc (09022015). Collection method: clinical testing. Allele origin: germline.

GeneDx
Classification: Likely benign. Last evaluated: 2017-10-25. Review status: criteria provided, single submitter. Criteria: GeneDx Variant Classification (06012015). Collection method: clinical testing. Allele origin: germline. Affected: yes.
Comment: This variant is considered likely benign or benign based on one or more of the following criteria: it is a conservative change, it occurs at a poorly conserved position in the protein, it is predicted to be benign by multiple in silico algorithms, and/or has population frequency not consistent with disease.

NM_001111125.3(IQSEC2):c.2297+7G>A

Gene: IQSEC2 (IQ motif and Sec7 domain ArfGEF 2; minus strand). Cytogenetic location: Xp11.22.
Variant type: single nucleotide variant.
Coding change: c.2297+7G>A on transcript NM_001111125.3 (MANE Select); 7 bases into the intron after coding-DNA position 2297, G replaced by A.
Molecular consequence: intron variant.
Genome position (GRCh38, 1-based): chrX:53,250,272, C>T on the plus strand (G>A on the coding strand, the complement: IQSEC2 is on the minus strand). VCF-style: chrX-53250272-C-T. GRCh37 (hg19) VCF-style: chrX-53279454-C-T.
Other names: c.1682+7G>A (NM_015075.2).
Identifiers: ClinVar variation 512960 (VCV000512960.7), dbSNP rs1556862951, ClinGen allele CA658799749.